The following is an entry in ClinVar:

NM_007078.3(LDB3):c.1978+175G>A

Gene: LDB3 (LIM domain binding 3; plus strand). Cytogenetic location: 10q23.2.
Variant type: single nucleotide variant.
Coding change: c.1978+175G>A on transcript NM_007078.3 (MANE Select); 175 bases into the intron after coding-DNA position 1978, G replaced by A.
Molecular consequence: intron variant.
Genome position (GRCh38, 1-based): chr10:86,719,022, G>A. VCF-style: chr10-86719022-G-A. GRCh37 (hg19) VCF-style: chr10-88478779-G-A.
Other names: c.1789+175G>A (NM_001368064.1, NM_001368065.1); c.1993+175G>A (NM_001171610.2); c.1837+175G>A (NM_001368066.1); c.1648+175G>A (NM_001080114.2).
Identifiers: ClinVar variation 672749 (VCV000672749.1), dbSNP rs11202138, ClinGen allele CA15659761.

ClinVar aggregate classification (germline): Benign (1 of 4 stars; one submission).

Allele frequency attached by ClinVar (database versions not stated): gnomAD 0.23379 and 0.23813; TOPMed 0.23828; 1000 Genomes Project 30x 0.28763; 1000 Genomes Project 0.29113.

Submission:

GeneDx
Classification: Benign. Last evaluated: 2018-06-18. Review status: criteria provided, single submitter. Criteria: GeneDx Variant Classification (06012015). Collection method: clinical testing. Allele origin: germline. Affected: yes.
Comment: This variant is considered likely benign or benign based on one or more of the following criteria: it is a conservative change, it occurs at a poorly conserved position in the protein, it is predicted to be benign by multiple in silico algorithms, and/or has population frequency not consistent with disease.